The following continues an entry in ClinVar:

NM_007294.4(BRCA1):c.68_69del (p.Glu23fs)

Gene: BRCA1. ClinVar aggregate classification (germline): Pathogenic. Pathogenic (1).

Submissions 7 to 17 of 97:

Genetics Laboratory, Great Ormond Street Hospital NHS Foundation Trust, North Thames Genomic Laboratory Hub
Classification: Pathogenic for Inherited breast cancer and ovarian cancer. Last evaluated: 2026-05-21. Review status: criteria provided, single submitter. Criteria: CanVIG BRCA Gene Specific V1.22. Collection method: clinical testing. Allele origin: germline. Affected: yes. Not counted in ClinVar's aggregate classification.
Comment: PS4_very-strong, PVS1_very-strong, PM5_strong

St. Jude Molecular Pathology, St. Jude Children's Research Hospital
Classification: Pathogenic for Breast-ovarian cancer, familial, susceptibility to, 1. Last evaluated: 2026-02-11. Review status: criteria provided, single submitter. Criteria: St. Jude Assertion Criteria 2020. Collection method: clinical testing. Allele origin: germline. Not counted in ClinVar's aggregate classification.
Comment: The BRCA1 c.68_69del p.(Glu23ValfsTer17) change deletes two nucleotides to cause a frameshift and the creation of a premature stop codon. This change is predicted to cause protein truncation or absence of protein due to nonsense-mediated decay. This variant, which is also known as 185delAG and 187delAG, has been reported in multiple individuals with breast and/or ovarian cancer (PMID: 14576434, 26718727, 21503673, 22430266, 23633455, 22752604), prostate cancer (PMID: 22516946) and pancreatic cancer (PMID: 20711688, 24737347, 23658460, 26440929). This variant is a well-established founder variant in the Ashkenazi Jewish population (PMID: 9042909, 22430266) and has a maximum subpopulation frequency of 0.41% in the Ashkenazi Jewish population in gnomAD v2.1.1. In summary, this variant meets criteria to be classified as pathogenic.

CeGaT Center for Human Genetics Tuebingen
Classification: Pathogenic. Last evaluated: 2026-02-01. Review status: criteria provided, single submitter. Criteria: CeGaT Center For Human Genetics Tuebingen Variant Classification Criteria Version 2. Collection method: clinical testing. Allele origin: germline. Affected: yes. Observed: 15 variant alleles. Not counted in ClinVar's aggregate classification.
Comment: BRCA1: PVS1, PM2, PS4:Moderate

Labcorp Genetics (formerly Invitae), Labcorp
Classification: Pathogenic for Hereditary breast ovarian cancer syndrome. Last evaluated: 2026-01-28. Review status: criteria provided, single submitter. Criteria: Invitae Variant Classification Sherloc (09022015). Collection method: clinical testing. Allele origin: germline. Not counted in ClinVar's aggregate classification.
Comment: This sequence change creates a premature translational stop signal (p.Glu23Valfs*17) in the BRCA1 gene. It is expected to result in an absent or disrupted protein product. Loss-of-function variants in BRCA1 are known to be pathogenic (PMID: 20104584). This variant is present in population databases (rs386833395, gnomAD 0.4%), and has an allele count higher than expected for a pathogenic variant. This premature translational stop signal has been observed in individual(s) with breast and ovarian cancer, and pancreatic cancer (PMID: 9042909, 15994883, 22430266, 23658460, 24737347). It is commonly reported in individuals of Ashkenazi Jewish ancestry (PMID: 8571953, 8651293, 9042909, 9921907, 15994883, 22430266, 23658460, 24737347). This variant is also known as 185delAG or 187delAG. ClinVar contains an entry for this variant (Variation ID: 17662). For these reasons, this variant has been classified as Pathogenic.

Variantyx, Inc.
Classification: Pathogenic for Breast-ovarian cancer, familial, susceptibility to, 1. Last evaluated: 2026-01-06. Review status: criteria provided, single submitter. Criteria: Variantyx Assertion Criteria 2022. Collection method: clinical testing. Allele origin: germline. Inheritance: Autosomal dominant inheritance. Not counted in ClinVar's aggregate classification.
Comment: This is a frameshift variant in the BRCA1 gene (OMIM: 113705). Pathogenic variants in this gene have been associated with autosomal dominant susceptibility to familial breast-ovarian cancer 1. This variant introduces a premature termination codon in exon 2 out of 23 and is expected to result in loss of function, which is a known disease mechanism for BRCA1 (PMID:PMID:11157798;20104584; (PVS1). It is an established founder variant in the Ashkenazi Jewish population (PMID: 7611277;7550349, 8571953, 30152102), but it has been documented in cohorts of other ethnicities with hereditary breast and ovarian cancer (HBOC) syndrome, male breast cancer, pancreatic cancer, and prostate cancer (PS4). Functional studies have shown that this variant confers a loss of function on the BRCA1 protein (PMID: 23867111, 26689913). Other reputable laboratories have reported this variant as pathogenic or likely pathogenic, and this classification has been validated by an expert panel in ClinVar (PP5). This variant has a 0.0055% maximum allele frequency in non-founder control populations. Based on the current evidence, this variant is classified as pathogenic for autosomal dominant susceptibility to familial breast-ovarian cancer 1.

Center for Genomic Medicine, Rigshospitalet, Copenhagen University Hospital
Classification: Pathogenic. Last evaluated: 2025-12-29. Review status: criteria provided, single submitter. Criteria: ACMG Guidelines, 2015. Collection method: clinical testing. Allele origin: germline. Not counted in ClinVar's aggregate classification.

ARUP Laboratories, Molecular Genetics and Genomics, ARUP Laboratories
Classification: Pathogenic. Last evaluated: 2025-07-07. Review status: criteria provided, single submitter. Criteria: ARUP Molecular Germline Variant Investigation Process 2024. Collection method: clinical testing. Allele origin: germline. Not counted in ClinVar's aggregate classification.
Comment: The BRCA1 c.68_69delAG; p.Glu23ValfsTer17 variant (rs386833395), also known as 185delAG, is a well known founder variant associated with breast, ovarian, and pancreatic cancer in the Ashkenazi Jewish population as well as other ethnic populations (Abeliovich 1997, Antoniou 2005, King 2003, Laitman 2019, Lucas 2014). This variant is reported as pathogenic by multiple laboratories in ClinVar (Variation ID: 17662), and is found in the general population with an overall allele frequency of 0.02% (58/282442 alleles) in the Genome Aggregation Database. This variant causes a frameshift by deleting 2 nucleotides, so it is predicted to result in a truncated protein or mRNA subject to nonsense-mediated decay. Based on available information, the p.Glu23ValfsTer17 variant is considered to be pathogenic. References: Abeliovich D et al. The founder mutations 185delAG and 5382insC in BRCA1 and 6174delT in BRCA2 appear in 60% of ovarian cancer and 30% of early-onset breast cancer patients among Ashkenazi women. Am J Hum Genet. 1997 Mar;60(3):505-14. Antoniou AC et al. Breast and ovarian cancer risks to carriers of the BRCA1 5382insC and 185delAG and BRCA2 6174delT mutations: a combined analysis of 22 population based studies. J Med Genet. 2005 Jul;42(7):602-3. King MC et al. Breast and ovarian cancer risks due to inherited mutations in BRCA1 and BRCA2. Science. 2003 Oct 24;302(5645):643-6. Laitman Y et al. The spectrum of BRCA1 and BRCA2 pathogenic sequence variants in Middle Eastern, North African, and South European countries. Hum Mutat. 2019 Nov;40(11):e1-e23. Lucas AL et al. BRCA1 and BRCA2 germline mutations are frequently demonstrated in both high-risk pancreatic cancer screening and pancreatic cancer cohorts. Cancer. 2014 Jul 1;120(13):1960-7.

Cambridge Genomics Laboratory, East Genomic Laboratory Hub, NHS Genomic Medicine Service
Classification: Pathogenic for Inherited breast cancer and ovarian cancer. Last evaluated: 2025-05-13. Review status: criteria provided, single submitter. Criteria: ACGS Best Practice Guidelines for Variant Classification in Rare Disease 2020. Collection method: clinical testing. Allele origin: germline. Affected: yes. Not counted in ClinVar's aggregate classification.
Comment: PVS1,PS4_Very Strong,PM5_Strong

Color Diagnostics, LLC DBA Color Health
Classification: Pathogenic for Hereditary cancer-predisposing syndrome. Last evaluated: 2025-03-31. Review status: criteria provided, single submitter. Criteria: ACMG Guidelines, 2015. Collection method: clinical testing. Allele origin: germline. Not counted in ClinVar's aggregate classification.
Comment: This variant deletes 2 nucleotides in exon 2 of the BRCA1 gene, causing a frameshift and a premature translational stop signal. This variant is also known as 185delAG and 187delAG in the literature. This variant is expected to result in an absent or non-functional protein product. This variant is a well-known founder mutation in the Ashkenazi Jewish population and occurs at 0.96-1.14% minor allele frequency (PMID: 7550349, 8571953, 30152102). This variant has been reported in dozens of individuals and families affected with breast and ovarian cancer (PMID: 7894492, 7611277, 7837387, 8533757, 8531968, 8642955, 9042909, 9150153, 21643751, 30480775, 35020120). This variant also has been observed in individuals from diverse ethnicities in Africa, America, Asia and Europe (PMID: 8651293, 24312913). The risk of female breast cancer among carriers of this mutation is 55-83% by age 70, and the risk of ovarian cancer is 12-58% by age 70 (PMID: 9145676, 15994883, 22430266). A breast cancer case-control meta-analysis has detected this variant in 30/60436 cases and 8/53453 unaffected individuals with an odds ratio (OR) of 3.317 (95%CI 1.52 to 7.235) (PMID: 33471991; Leiden Open Variation Database DB-ID BRCA1_001114). This variant has been identified in 58/282442 chromosomes (42/10368 Ashkenazi Jewish chromosomes) in the general population by the Genome Aggregation Database (gnomAD). Loss of BRCA1 function is a known mechanism of disease. Based on the available evidence, this variant is classified as Pathogenic.

Institute of Human Genetics, FAU Erlangen, Friedrich-Alexander-Universität Erlangen-Nürnberg
Classification: Pathogenic. Last evaluated: 2025-03-25. Review status: criteria provided, single submitter. Criteria: Hauer et al. (Genet Med. 2018). Collection method: clinical testing. Allele origin: germline. Inheritance: Unknown mechanism. Affected: yes. Observed: 1 variant allele. Not counted in ClinVar's aggregate classification.
Comment: This variant has been identified by standard clinical testing.

Revvity Omics, Revvity
Classification: Pathogenic. Last evaluated: 2025-03-03. Review status: criteria provided, single submitter. Criteria: ACMG Guidelines, 2015. Collection method: clinical testing. Allele origin: germline. Not counted in ClinVar's aggregate classification.